The following is an entry in ClinVar:

NM_000092.5(COL4A4):c.4152G>C (p.Ala1384=)

Gene: COL4A4 (collagen type IV alpha 4 chain; minus strand). Cytogenetic location: 2q36.3.
Variant type: single nucleotide variant.
Coding change: c.4152G>C on transcript NM_000092.5 (MANE Select); coding-DNA position 4152, G replaced by C.
Protein change: p.Ala1384=; no amino-acid change (alanine 1384 retained).
Molecular consequence: synonymous variant.
Genome position (GRCh38, 1-based): chr2:227,022,112, C>G on the plus strand (G>C on the coding strand, the complement: COL4A4 is on the minus strand). VCF-style: chr2-227022112-C-G. GRCh37 (hg19) VCF-style: chr2-227886828-C-G.
Other names: c.4152G>C (NM_000092.4).
Identifiers: ClinVar variation 1156021 (VCV001156021.11), dbSNP rs75398993, ClinGen allele CA2144266.

ClinVar aggregate classification (germline): Likely benign. Review status: criteria provided, single submitter (1 of 4 stars). 2 submissions from 2 submitters: Likely benign (1). 1 of the submissions does not count toward it. Last evaluated 2024-02-06.

Conditions:
COL4A4-related disorder.

gnomAD v4.1: 5 of 1,613,952 alleles (0.00031%); highest among the groups gnomAD compares: Non-Finnish European, 0.00017%; no homozygotes.

Submissions (2):

Labcorp Genetics (formerly Invitae), Labcorp
Classification: Likely benign. Last evaluated: 2024-02-06. Review status: criteria provided, single submitter. Criteria: Invitae Variant Classification Sherloc (09022015). Collection method: clinical testing. Allele origin: germline.

PreventionGenetics, part of Exact Sciences
Classification: Likely benign for COL4A4-related condition. Last evaluated: 2021-09-13. Review status: no assertion criteria provided. Collection method: clinical testing. Allele origin: germline. Not counted in ClinVar's aggregate classification.
Comment: This variant is classified as likely benign based on ACMG/AMP sequence variant interpretation guidelines (Richards et al. 2015 PMID: 25741868, with internal and published modifications).